The following is an entry in ClinVar:

ClinVar aggregate classification (germline): Pathogenic (1 of 4 stars; one submission).

Submission:

Labcorp Genetics (formerly Invitae), Labcorp
Classification: Pathogenic. Last evaluated: 2024-11-06. Review status: criteria provided, single submitter. Criteria: Invitae Variant Classification Sherloc (09022015). Collection method: clinical testing. Allele origin: germline.
Comment: This sequence change creates a premature translational stop signal (p.Gln718*) in the COL18A1 gene. It is expected to result in an absent or disrupted protein product. Loss-of-function variants in COL18A1 are known to be pathogenic (PMID: 12415512, 25456301). This variant is not present in population databases (gnomAD no frequency). This variant has not been reported in the literature in individuals affected with COL18A1-related conditions. For these reasons, this variant has been classified as Pathogenic.

Literature cited by the submitters: PubMed 12415512; PubMed 25456301.

NM_001379500.1(COL18A1):c.2152C>T (p.Gln718Ter)

Gene: COL18A1 (collagen type XVIII alpha 1 chain; plus strand). Cytogenetic location: 21q22.3.
Variant type: single nucleotide variant.
Coding change: c.2152C>T on transcript NM_001379500.1 (MANE Select); coding-DNA position 2152, C replaced by T.
Protein change: p.Gln718Ter; replaces glutamine 718 with a stop codon.
Molecular consequence: nonsense.
Genome position (GRCh38, 1-based): chr21:45,491,309, C>T. VCF-style: chr21-45491309-C-T. GRCh37 (hg19) VCF-style: chr21-46911223-C-T.
Other names: c.2692C>T, p.Gln898Ter (NM_030582.4); c.3397C>T, p.Gln1133Ter (NM_130444.3); short protein forms Q718*, Q898*, Q1133*.
Identifiers: ClinVar variation 3724750 (VCV003724750.2).
Genomic context (GRCh38, chr21:45,491,309, plus strand): 5'-GGGCAGCCGGGCCTCCCTGGCCCCCCCGGACCCCCGGGACCTGTGGTCTACGTGTCGGAG[C>T]AGGACGTAAGGACGCTGCGTGGGTGGGCACCCAATCTGTCCAGACCCCCCACGGGGTGCA-3'